The following is an entry in ClinVar:

ClinVar aggregate classification (germline): Likely pathogenic (1 of 4 stars; one submission).

Submission:

Labcorp Genetics (formerly Invitae), Labcorp
Classification: Likely pathogenic. Last evaluated: 2023-03-29. Review status: criteria provided, single submitter. Criteria: Invitae Variant Classification Sherloc (09022015). Collection method: clinical testing. Allele origin: germline.
Comment: In summary, the currently available evidence indicates that the variant is pathogenic, but additional data are needed to prove that conclusively. Therefore, this variant has been classified as Likely Pathogenic. Algorithms developed to predict the effect of sequence changes on RNA splicing suggest that this variant may disrupt the consensus splice site. This sequence change affects a donor splice site in intron 12 of the ASAH1 gene. It is expected to disrupt RNA splicing. Variants that disrupt the donor or acceptor splice site typically lead to a loss of protein function (PMID: 16199547), and loss-of-function variants in ASAH1 are known to be pathogenic (PMID: 24164096, 24355074). This variant is not present in population databases (gnomAD no frequency). This variant has not been reported in the literature in individuals affected with ASAH1-related conditions.

Literature cited by the submitters: PubMed 16199547; PubMed 24164096; PubMed 24355074.

NM_177924.5(ASAH1):c.1041+1G>T

Gene: ASAH1 (N-acylsphingosine amidohydrolase 1; minus strand). Cytogenetic location: 8p22.
Variant type: single nucleotide variant.
Coding change: c.1041+1G>T on transcript NM_177924.5 (MANE Select); the canonical splice donor site of the intron after coding-DNA position 1041, G replaced by T.
Molecular consequence: splice donor variant.
Genome position (GRCh38, 1-based): chr8:18,059,340, C>A on the plus strand (G>T on the coding strand, the complement: ASAH1 is on the minus strand). VCF-style: chr8-18059340-C-A. GRCh37 (hg19) VCF-style: chr8-17916849-C-A.
Other names: c.1089+1G>T (NM_004315.6); c.1023+1G>T (NM_001127505.3); c.846+1G>T (NM_001363743.2).
Identifiers: ClinVar variation 2849911 (VCV002849911.3), dbSNP rs2537915451, ClinGen allele CA370427216.